The following is an entry in ClinVar:

NM_006939.4(SOS2):c.2232C>T (p.Asn744=)

Gene: SOS2 (SOS Ras/Rho guanine nucleotide exchange factor 2; minus strand). Cytogenetic location: 14q21.3.
Variant type: single nucleotide variant.
Coding change: c.2232C>T on transcript NM_006939.4 (MANE Select); coding-DNA position 2232, C replaced by T.
Protein change: p.Asn744=; no amino-acid change (asparagine 744 retained).
Molecular consequence: synonymous variant.
Genome position (GRCh38, 1-based): chr14:50,150,160, G>A on the plus strand (C>T on the coding strand, the complement: SOS2 is on the minus strand). VCF-style: chr14-50150160-G-A. GRCh37 (hg19) VCF-style: chr14-50616878-G-A.
Other names: p.Asn744=.
Identifiers: ClinVar variation 384710 (VCV000384710.26), dbSNP rs2229869, ClinGen allele CA7177086.
Genomic context (GRCh38, chr14:50,150,160, plus strand): 5'-GCTGATATGCCATTCAATTGGTGGAGGTGGACTTTCAAAGGTAATATTATGGCTTACTCC[G>A]TTTGCCTGAGCTTGCTTCTTCCTCCTGATGATCTTAGCAATTGACTCTACCCATTTTTTC-3'
Protein context (NP_008870.2, residues 734-754): IIRRKKQAQA[Asn744=]GVSHNITFES

ClinVar aggregate classification (germline): Benign. Review status: criteria provided, multiple submitters, no conflicts (2 of 4 stars). 11 submissions from 11 submitters: Benign (9). 2 of the submissions do not count toward it. Last evaluated 2026-02-04.

Conditions:
Cardiovascular phenotype. Identifiers: MedGen CN230736.
Noonan syndrome 9 (NS9). Identifiers: Orphanet 648, MedGen C4225282, MONDO:0014691, OMIM 616559.

Allele frequency attached by ClinVar (database versions not stated): 1000 Genomes Project 0.51837; 1000 Genomes Project 30x 0.51936; gnomAD 0.59746 and 0.60005; TOPMed 0.59857; ESP Exome Variant Server 0.60795; ExAC 0.62145; gnomAD exomes 0.62282 and 0.65963.
gnomAD v4.1: 1,052,840 of 1,611,726 alleles (65%); highest among the groups gnomAD compares: Non-Finnish European, 68%; 348,415 homozygotes.

Submissions (11):

Labcorp Genetics (formerly Invitae), Labcorp
Classification: Benign for Noonan syndrome 9. Last evaluated: 2026-02-04. Review status: criteria provided, single submitter. Criteria: Invitae Variant Classification Sherloc (09022015). Collection method: clinical testing. Allele origin: germline.

Blueprint Genetics
Classification: Benign. Last evaluated: 2024-11-27. Review status: criteria provided, single submitter. Criteria: ACMG Guidelines, 2015. Collection method: clinical testing. Allele origin: germline.

Mayo Clinic Laboratories, Mayo Clinic
Classification: Benign. Last evaluated: 2022-04-26. Review status: criteria provided, single submitter. Criteria: ACMG Guidelines, 2015. Collection method: clinical testing. Allele origin: germline. Observed: 918 variant alleles.

Genome-Nilou Lab
Classification: Benign for Noonan syndrome 9. Last evaluated: 2021-07-15. Review status: criteria provided, single submitter. Criteria: ACMG Guidelines, 2015. Collection method: clinical testing. Allele origin: germline. Affected: no.

Laboratory for Molecular Medicine, Mass General Brigham Personalized Medicine
Classification: Benign. Last evaluated: 2018-12-27. Review status: criteria provided, single submitter. Criteria: LMM Criteria. Collection method: clinical testing. Allele origin: germline. Observed: 12 variant alleles.
Comment: p.Asn744Asn in exon 14 of SOS2: This variant is not expected to have clinical significance because it does not alter an amino acid residue, is not located within the splice consensus sequence, and has been identified in 68.67% (45825/66736) of European chromosomes by the Exome Aggregation Consortium (ExAC; dbSNP rs2229869).

Ambry Genetics
Classification: Benign for Cardiovascular phenotype. Last evaluated: 2018-12-11. Review status: criteria provided, single submitter. Criteria: Ambry Variant Classification Scheme 2023. Collection method: clinical testing. Allele origin: germline.

Women's Health and Genetics/Laboratory Corporation of America, LabCorp
Classification: Benign. Last evaluated: 2017-04-12. Review status: criteria provided, single submitter. Criteria: LabCorp Variant Classification Summary - May 2015. Collection method: clinical testing. Allele origin: germline.
Comment: Variant summary: The SOS2 c.2232C>T (p.Asn744Asn) variant involves the alteration of a non-conserved nucleotide, resulting in a synonymous change. One in silico tool predicts a polymorphism outcome for this variant. 5/5 splice prediction tools predict no significant impact on normal splicing. ESE finder predicts that this variant may affect binding of two ESE sites. However, these predictions have not been confirmed by functional studies. This variant was found in 75437/121388 control chromosomes from ExAC (23983 homozygotes) at a frequency of 0.6214535, thus allele T is the major allele at this position. One clinical diagnostic laboratory has classified this variant as benign. Therefore, this variant is classified as Benign.

GeneDx
Classification: Benign. Last evaluated: 2016-09-29. Review status: criteria provided, single submitter. Criteria: GeneDx Variant Classification (06012015). Collection method: clinical testing. Allele origin: germline. Affected: yes.
Comment: This variant is considered likely benign or benign based on one or more of the following criteria: it is a conservative change, it occurs at a poorly conserved position in the protein, it is predicted to be benign by multiple in silico algorithms, and/or has population frequency not consistent with disease.

Breakthrough Genomics
Classification: Benign. Review status: criteria provided, single submitter. Criteria: ACMG Guidelines, 2015. Collection method: not provided. Allele origin: germline. Inheritance: Autosomal dominant inheritance. Affected: yes.

Clinical Genetics, Academic Medical Center
Classification: Benign. Review status: no assertion criteria provided. Collection method: clinical testing. Allele origin: germline. Affected: yes. Study: VKGL Data-share Consensus. Not counted in ClinVar's aggregate classification.

Joint Genome Diagnostic Labs from Nijmegen and Maastricht, Radboudumc and MUMC+
Classification: Benign. Review status: no assertion criteria provided. Collection method: clinical testing. Allele origin: germline. Affected: yes. Study: VKGL Data-share Consensus. Not counted in ClinVar's aggregate classification.